The following is an entry in ClinVar:

NM_002890.3(RASA1):c.2462T>A (p.Ile821Lys)

Genes: CCNH (cyclin H; minus strand), RASA1 (RAS p21 protein activator 1; plus strand). Cytogenetic location: 5q14.3.
Variant type: single nucleotide variant.
Coding change: c.2462T>A on transcript NM_002890.3 (MANE Select); coding-DNA position 2462, T replaced by A.
Protein change: p.Ile821Lys; replaces isoleucine 821 with lysine.
Molecular consequence: missense variant. On other transcripts: intron variant (1).
Genome position (GRCh38, 1-based): chr5:87,378,513, T>A. VCF-style: chr5-87378513-T-A. GRCh37 (hg19) VCF-style: chr5-86674330-T-A.
Other names: c.1931T>A, p.Ile644Lys (NM_022650.3); c.933+16531A>T (NM_001364075.2); short protein forms I644K, I821K.
Identifiers: ClinVar variation 1691334 (VCV001691334.3), dbSNP rs2112495755, ClinGen allele CA360382671.

ClinVar aggregate classification (germline): Uncertain significance. Review status: criteria provided, multiple submitters, no conflicts (2 of 4 stars). 2 submissions from 2 submitters: Uncertain significance (2). Last evaluated 2022-01-18.

Conditions:
Basal cell carcinoma, susceptibility to, 1. Also called: BCC1. Identifiers: MedGen C2751544, MONDO:0011556, OMIM 605462.
Capillary malformation-arteriovenous malformation 1 (CMAVM1). Identifiers: Orphanet 137667, Orphanet 693907, MedGen C4747394, MONDO:0020783, OMIM 608354.

Submissions (2):

Seattle Children's Hospital Molecular Genetics Laboratory, Seattle Children's Hospital
Classification: Uncertain significance. Last evaluated: 2022-01-18. Review status: criteria provided, single submitter. Criteria: ACMG Guidelines, 2015. Collection method: clinical testing. Allele origin: germline. Affected: yes.
Comment: The c.2462T>A variant results in the substitution of an isoleucine at amino acid position 821 with a lysine. This variant is absent from the general population (gnomAD v2.1.1) as well as the medical literature and patient databases. Multiple in silico tools predict this substitution to be damaging to protein structure, and the isoleucine at position 821 is highly evolutionarily conserved. In addition, the same amino acid has been reported as altered in an individual with CM-AVM (p.Ile821Val, ClinVar Variation ID: 464858), but this variant was reported as being of uncertain significance.

Fulgent Genetics
Classification: Uncertain significance for Basal cell carcinoma, susceptibility to, 1; Capillary malformation-arteriovenous malformation 1. Last evaluated: 2021-12-11. Review status: criteria provided, single submitter. Criteria: ACMG Guidelines, 2015. Collection method: clinical testing. Allele origin: unknown.